The following is an entry in ClinVar:

NM_000458.4(HNF1B):c.230_233del (p.Asp77fs)

Gene: HNF1B (HNF1 homeobox B; minus strand). Cytogenetic location: 17q12.
Variant type: Deletion.
Coding change: c.230_233del on transcript NM_000458.4 (MANE Select); coding-DNA positions 230 to 233, 4 bases deleted (ACGA; older notation c.230_233delACGA).
Protein change: p.Asp77fs; shifts the reading frame from aspartic acid 77.
Molecular consequence: frameshift variant.
Genome position (GRCh38, 1-based): chr17:37,744,652-37,744,655, TCGT deleted on the plus strand (ACGA on the coding strand, the reverse complement: HNF1B is on the minus strand). VCF-style (leftmost placement, unchanged base first): chr17-37744651-CTCGT-C. GRCh37 (hg19) VCF-style: chr17-36104642-CTCGT-C.
Other names: c.230_233del, p.Asp77fs (NM_001165923.4, NM_001304286.2); short protein forms D77fs.
Identifiers: ClinVar variation 446150 (VCV000446150.4), dbSNP rs1555833071, ClinGen allele CA658653839.

ClinVar aggregate classification (germline): Pathogenic. Review status: criteria provided, multiple submitters, no conflicts (2 of 4 stars). 3 submissions from 3 submitters: Pathogenic (2). 1 of the submissions does not count toward it. Last evaluated 2019-07-06.

Conditions:
Hyperuricemic nephropathy, familial juvenile type 3. Identifiers: MedGen C3280216, MONDO:0013643, OMIM 614227.
Maturity-onset diabetes of the young (MODY). Also called: Maturity onset diabetes mellitus in young. Identifiers: Orphanet 552, MedGen C0342276, MONDO:0018911, HP:0004904.
Renal cysts and diabetes syndrome (RCAD). Also called: MATURITY-ONSET DIABETES OF THE YOUNG, TYPE 5; Familial hypoplastic, glomerulocystic kidney. Identifiers: Orphanet 93111, MedGen C0431693, MONDO:0007669, OMIM 137920.

Submissions (3):

Institute of Human Genetics, FAU Erlangen, Friedrich-Alexander-Universität Erlangen-Nürnberg
Classification: Pathogenic for Renal cysts and diabetes syndrome. Last evaluated: 2019-07-06. Review status: criteria provided, single submitter. Criteria: ACMG Guidelines, 2015. Collection method: literature only. Allele origin: germline. Affected: yes.
Comment: This variant and it's classification has been reported by Vasileiou et al. 2019; DOI:10.1101/576918. The variants has previously been reported in ClinVar:446150 as "NM_000458.3(HNF1B):c.230_233delACGA (p.Asp77Glyfs)" with clinical significance Pathogenic. It has been re-classified using InterVar and manual curation as Pathogenic based on PVS1 PM2 PP3.

Clinical Genomics, Uppaluri K&H Personalized Medicine Clinic
Classification: Pathogenic for Maturity-onset diabetes of the young. Review status: criteria provided, single submitter. Criteria: K & H Uppaluri Personalized Medicine Clinic Variant Classification & Assertion Criteria_Updated V.1. Collection method: research. Allele origin: unknown. Inheritance: Autosomal dominant inheritance.
Comment: HNF1B gene mutations are associated with early onset diabetes and pancreatic atrophy. It is also associated with multiple renal manifestations including renal cysts, Tubulointerstitial disease, glomerulocystic disease, renal hypoplasia, hypomagnesemia. However no sufficient evidence is found to ascertain the role of this particular variant rs1555833071, yet.

Institute of Human Genetics, Cologne University
Classification: Pathogenic for Hyperuricemic nephropathy, familial juvenile type 3. Review status: no assertion criteria provided. Collection method: clinical testing. Allele origin: germline. Affected: yes. Observed: 5 variant alleles, 5 heterozygotes. Not counted in ClinVar's aggregate classification.

Literature cited by the submitters: DOI 10.1101/576918 (cited by Institute of Human Genetics, FAU Erlangen, Friedrich-Alexander-Universität Erlangen-Nürnberg); PubMed 24897035 (cited by Clinical Genomics, Uppaluri K&H Personalized Medicine Clinic); PubMed 25536396 (cited by Clinical Genomics, Uppaluri K&H Personalized Medicine Clinic); PubMed 27615128 (cited by Clinical Genomics, Uppaluri K&H Personalized Medicine Clinic); PubMed 28215227 (cited by Clinical Genomics, Uppaluri K&H Personalized Medicine Clinic); PubMed 33434175 (cited by Clinical Genomics, Uppaluri K&H Personalized Medicine Clinic); PubMed 25741167 (cited by Clinical Genomics, Uppaluri K&H Personalized Medicine Clinic); PubMed 26340261 (cited by Clinical Genomics, Uppaluri K&H Personalized Medicine Clinic); PubMed 19639018 (cited by Clinical Genomics, Uppaluri K&H Personalized Medicine Clinic).